The following is an entry in ClinVar:

ClinVar aggregate classification (germline): Uncertain significance (1 of 4 stars; one submission).

Submission:

Labcorp Genetics (formerly Invitae), Labcorp
Classification: Uncertain significance. Last evaluated: 2023-08-11. Review status: criteria provided, single submitter. Criteria: Invitae Variant Classification Sherloc (09022015). Collection method: clinical testing. Allele origin: germline.
Comment: This variant is not present in population databases (gnomAD no frequency). In summary, the available evidence is currently insufficient to determine the role of this variant in disease. Therefore, it has been classified as a Variant of Uncertain Significance. Advanced modeling of protein sequence and biophysical properties (such as structural, functional, and spatial information, amino acid conservation, physicochemical variation, residue mobility, and thermodynamic stability) performed at Invitae indicates that this missense variant is expected to disrupt PDE6B protein function. This variant has not been reported in the literature in individuals affected with PDE6B-related conditions. This sequence change replaces lysine, which is basic and polar, with glutamic acid, which is acidic and polar, at codon 706 of the PDE6B protein (p.Lys706Glu).

NM_000283.4(PDE6B):c.2116A>G (p.Lys706Glu)

Gene: PDE6B (phosphodiesterase 6B; plus strand). Cytogenetic location: 4p16.3.
Variant type: single nucleotide variant.
Coding change: c.2116A>G on transcript NM_000283.4 (MANE Select); coding-DNA position 2116, A replaced by G.
Protein change: p.Lys706Glu; replaces lysine 706 with glutamic acid.
Molecular consequence: missense variant.
Genome position (GRCh38, 1-based): chr4:664,208, A>G. VCF-style: chr4-664208-A-G. GRCh37 (hg19) VCF-style: chr4-657997-A-G.
Other names: c.2116A>G, p.Lys706Glu (NM_001145291.2); c.1279A>G, p.Lys427Glu (NM_001145292.2, NM_001350154.3, NM_001379246.1 and 1 more transcripts); c.961A>G, p.Lys321Glu (NM_001350155.3); short protein forms K706E, K321E, K427E.
Identifiers: ClinVar variation 2752163 (VCV002752163.3), dbSNP rs746552548, ClinGen allele CA355919543.